The following is an entry in ClinVar:

NM_020132.5(AGPAT3):c.534G>A (p.Thr178=)

Gene: AGPAT3 (1-acylglycerol-3-phosphate O-acyltransferase 3; plus strand). Cytogenetic location: 21q22.3.
Variant type: single nucleotide variant.
Coding change: c.534G>A on transcript NM_020132.5 (MANE Select); coding-DNA position 534, G replaced by A.
Protein change: p.Thr178=; no amino-acid change (threonine 178 retained).
Molecular consequence: synonymous variant.
Genome position (GRCh38, 1-based): chr21:43,970,676, G>A. VCF-style: chr21-43970676-G-A. GRCh37 (hg19) VCF-style: chr21-45390557-G-A.
Other names: c.534G>A, p.Thr178= (NM_001037553.2, NM_001369878.1, NM_001369880.1); c.348G>A, p.Thr116= (NM_001369881.1).
Identifiers: ClinVar variation 2652730 (VCV002652730.24), dbSNP rs1141627, ClinGen allele CA10049874.

ClinVar aggregate classification (germline): Likely benign (1 of 4 stars; one submission).

Allele frequency attached by ClinVar (database versions not stated): 1000 Genomes Project 30x 0.00109; ExAC 0.00109; 1000 Genomes Project 0.00140; gnomAD 0.00141; TOPMed 0.00144; gnomAD exomes 0.00174; ESP Exome Variant Server 0.00177.
gnomAD v4.1: 2,794 of 1,613,852 alleles (0.17%); highest among the groups gnomAD compares: Middle Eastern, 0.78%; 5 homozygotes.

Submission:

CeGaT Center for Human Genetics Tuebingen
Classification: Likely benign. Last evaluated: 2023-08-01. Review status: criteria provided, single submitter. Criteria: CeGaT Center For Human Genetics Tuebingen Variant Classification Criteria Version 2. Collection method: clinical testing. Allele origin: germline. Affected: yes. Observed: 1 variant allele.
Comment: AGPAT3: BP4, BP7